The following is an entry in ClinVar:

ClinVar aggregate classification (germline): Uncertain significance. Review status: criteria provided, multiple submitters, no conflicts (2 of 4 stars). 5 submissions from 5 submitters: Uncertain significance (5). Last evaluated 2026-07-02.

Conditions:
Malignant hyperthermia, susceptibility to, 1 (MHS1). Also called: Anesthesia related hyperthermia; Malignant hyperpyrexia; Fulminating hyperpyrexia; Pharmacogenic myopathy; RYR1-Related Malignant Hyperthermia Susceptibility; Malignant hyperthermia suceptibility 1. Identifiers: Orphanet 423, MedGen C2930980, MONDO:0007783, OMIM 145600.
Inborn genetic diseases. Identifiers: MedGen C0950123, MeSH D030342.

gnomAD v4.1: 1 of 1,606,740 alleles (0.000062%); highest among the groups gnomAD compares: Non-Finnish European, 0.000085%; no homozygotes.

Submissions (5):

Ambry Genetics
Classification: Uncertain significance for Inborn genetic diseases. Last evaluated: 2026-07-02. Review status: criteria provided, single submitter. Criteria: Ambry Variant Classification Scheme 2023. Collection method: clinical testing. Allele origin: germline.
Comment: The p.R3395P variant (also known as c.10184G>C), located in coding exon 67 of the RYR1 gene, results from a G to C substitution at nucleotide position 10184. The arginine at codon 3395 is replaced by proline, an amino acid with dissimilar properties. This amino acid position is conserved. In addition, this alteration is predicted to be deleterious by in silico analysis. Based on the available evidence, the clinical significance of this variant remains unclear.

GeneDx
Classification: Uncertain significance. Last evaluated: 2026-04-16. Review status: criteria provided, single submitter. Criteria: GeneDx Variant Classification Process June 2021. Collection method: clinical testing. Allele origin: germline.
Comment: Not observed at significant frequency in large population cohorts (gnomAD); In silico analysis supports that this missense variant has a deleterious effect on protein structure/function; Has not been previously published as pathogenic or benign to our knowledge

Color Diagnostics, LLC DBA Color Health
Classification: Uncertain significance for Malignant hyperthermia, susceptibility to, 1. Last evaluated: 2025-05-13. Review status: criteria provided, single submitter. Criteria: ACMG Guidelines, 2015. Collection method: clinical testing. Allele origin: germline.
Comment: This missense variant replaces arginine with proline at codon 3395 of the RYR1 protein. Computational prediction suggests that this variant may have deleterious impact on protein structure and function. To our knowledge, functional studies have not been reported for this variant. This variant has not been reported in individuals affected with RYR1-related disorders in the literature. This variant has been identified in 1/233616 chromosomes in the general population by the Genome Aggregation Database (gnomAD). The available evidence is insufficient to determine the role of this variant in disease conclusively. Therefore, this variant is classified as a Variant of Uncertain Significance.

All of Us Research Program, National Institutes of Health
Classification: Uncertain significance for Malignant hyperthermia, susceptibility to, 1. Last evaluated: 2023-11-28. Review status: criteria provided, single submitter. Criteria: ACMG Guidelines, 2015. Collection method: clinical testing. Allele origin: germline. Inheritance: Autosomal dominant inheritance. Observed: 2 variant alleles, 2 heterozygotes.
Comment: This study involves interpretation of variants in research participants for the purpose of population health screening. Participant phenotype was not available at the time of variant classification. Additional details can be found in publication PMID: 35346344, PMCID: PMC8962531

Revvity Omics, Revvity
Classification: Uncertain significance. Last evaluated: 2019-06-24. Review status: criteria provided, single submitter. Criteria: ACMG Guidelines, 2015. Collection method: clinical testing. Allele origin: germline.

NM_000540.3(RYR1):c.10184G>C (p.Arg3395Pro)

Gene: RYR1 (ryanodine receptor 1; plus strand). Cytogenetic location: 19q13.2.
Variant type: single nucleotide variant.
Coding change: c.10184G>C on transcript NM_000540.3 (MANE Select); coding-DNA position 10184, G replaced by C.
Protein change: p.Arg3395Pro; replaces arginine 3395 with proline.
Molecular consequence: missense variant.
Genome position (GRCh38, 1-based): chr19:38,519,379, G>C. VCF-style: chr19-38519379-G-C. GRCh37 (hg19) VCF-style: chr19-39010019-G-C.
Other names: c.10184G>C, p.Arg3395Pro (NM_001042723.2); short protein forms R3395P.
Identifiers: ClinVar variation 2435586 (VCV002435586.8), dbSNP rs543161252, ClinGen allele CA052540.